The following is an entry in ClinVar:

NM_000112.4(SLC26A2):c.1859del (p.Lys620fs)

Gene: SLC26A2 (solute carrier family 26 member 2; plus strand). Cytogenetic location: 5q32.
Variant type: Deletion.
Coding change: c.1859del on transcript NM_000112.4 (MANE Select); coding-DNA position 1859, one base deleted (A; older notation c.1859delA).
Protein change: p.Lys620fs; shifts the reading frame from lysine 620.
Molecular consequence: frameshift variant.
Genome position (GRCh38, 1-based): chr5:149,981,452, A deleted; the last of 3 consecutive A bases (chr5:149,981,450-149,981,452); deleting any one gives the same sequence. VCF-style (leftmost placement, unchanged base first): chr5-149981449-GA-G. GRCh37 (hg19) VCF-style: chr5-149361012-GA-G.
Other names: c.1859delA (NM_000112.3); c.1859del (NM_000112.3); short protein forms K620fs.
Identifiers: ClinVar variation 558414 (VCV000558414.3), dbSNP rs1554095381, ClinGen allele CA658823315.

ClinVar aggregate classification (germline): Likely pathogenic. Review status: criteria provided, single submitter (1 of 4 stars). 2 submissions from 2 submitters: Likely pathogenic (1). 1 of the submissions does not count toward it. Last evaluated 2024-09-01.

Conditions:
Multiple epiphyseal dysplasia type 4 (EDM4). Also called: MULTIPLE EPIPHYSEAL DYSPLASIA WITH BILAYERED PATELLAE; MULTIPLE EPIPHYSEAL DYSPLASIA WITH CLUBFOOT; MULTIPLE EPIPHYSEAL DYSPLASIA, AUTOSOMAL RECESSIVE; SLC26A2-Related Multiple Epiphyseal Dysplasia; Multiple Epiphyseal Dysplasia, Recessive. Identifiers: Orphanet 93307, MedGen C1847593, MONDO:0009189, OMIM 226900.
Achondrogenesis, type IB (ACG1B). Also called: Achondrogenesis Type 1B. Identifiers: Orphanet 932, Orphanet 93298, MedGen C0265274, MONDO:0010966, OMIM 600972.

Submissions (2):

Natera, Inc.
Classification: Likely pathogenic for Achondrogenesis type IB. Last evaluated: 2024-09-01. Review status: criteria provided, single submitter. Criteria: Natera Variant Classification Schema (03/2026). Collection method: clinical testing. Allele origin: germline.
Comment: The c.1859del variant in SLC26A2 is a frameshift variant predicted to shift the reading frame beginning at codon 620 and leads to a stop codon 6 codons downstream. This variant is expected to result in nonsense mediated decay, truncation, or a dysfunctional protein product. This variant is rare in the general population with a frequency below the threshold expected for the associated phenotype(s). Given the available evidence, this variant is classified as Likely Pathogenic.

Counsyl
Classification: Likely pathogenic for Multiple epiphyseal dysplasia type 4. Last evaluated: 2018-05-30. Review status: no assertion criteria provided. Collection method: clinical testing. Allele origin: unknown. Not counted in ClinVar's aggregate classification.